The following continues an entry in ClinVar:

NM_000518.4(HBB):c.19G>A (p.Glu7Lys)

ClinVar aggregate classification (germline): Pathogenic/Likely pathogenic. Pathogenic (34); Likely pathogenic (2).

Submissions 10 to 22 of 41:

Genetic Services Laboratory, University of Chicago
Classification: Pathogenic. Last evaluated: 2024-12-06. Review status: criteria provided, single submitter. Criteria: ACMG Guidelines, 2015. Collection method: clinical testing. Allele origin: germline. Affected: yes.
Comment: DNA sequence analysis of the HBB gene demonstrated a sequence change, c.19G>A, in exon 1 that results in an amino acid change, p.Glu7Lys. This particular sequence change, also known as hemoglobin C (HbC), is a well-described pathogenic variant that has previously been described in the homozygous or compound heterozygous state (particularly with HbS, p.Glu7Val) in multiple unrelated individuals with sickle-hemoglobin C disease, hemoglobin C-beta thalassemia, and other beta-hemoglobinopathies (PMIDs: 23297836, 23591685, 27117572). This sequence change has been described in the gnomAD database with a frequency of 1.34% in the African/African-American subpopulation (dbSNP rs33930165) and is thought to be one of the most prevalent pathogenic variants associated with beta-hemoglobinopathies (PMID: 23591685). The p.Glu7Lys change affects a poorly conserved amino acid residue located in a domain of the HBB protein that is known to be functional. The p.Glu7Lys substitution appears to be benign using several in-silico pathogenicity prediction tools (SIFT, PolyPhen2, Align GVGD, REVEL). Functional studies indicate that the p.Glu7Lys sequence change results in reduced hydrophobicity versus wild-type hemoglobin (PMIDs: 2888754). Taken together, the available evidence indicates that this sequence change is pathogenic.

Blueprint Genetics
Classification: Pathogenic for HBB-related disorders. Last evaluated: 2024-09-18. Review status: criteria provided, single submitter. Criteria: ACMG Guidelines, 2015. Collection method: clinical testing. Allele origin: germline. Affected: yes. Observed: 5 variant alleles.

Fulgent Genetics
Classification: Pathogenic for Heinz body anemia; Hereditary persistence of fetal hemoglobin; Dominant beta-thalassemia; Hb SS disease; Malaria, susceptibility to; Beta-thalassemia HBB/LCRB; METHEMOGLOBINEMIA, BETA TYPE; Erythrocytosis, familial, 6. Last evaluated: 2024-04-04. Review status: criteria provided, single submitter. Criteria: ACMG Guidelines, 2015. Collection method: clinical testing. Allele origin: germline.

Illumina Laboratory Services, Illumina
Classification: Pathogenic for Hb SS disease. Last evaluated: 2024-01-17. Review status: criteria provided, single submitter. Criteria: ICSLVariantClassificationCriteria RUGD 01 April 2020. Collection method: clinical testing. Allele origin: unknown.
Comment: The HBB c.19G>A (p.Glu7Lys), also known as p.Glu6Lys, missense variant results in the substitution of glutamic acid at amino acid position 7 with lysine. Across a selection of the available literature the c.19G>A variant has been identified in a compound heterozygous state in at least 24 individuals with sickle-hemoglobin C disease (PMID: 26287797; PMID: 26275168; PMID: 27756326; PMID: 28589738; PMID: 36106931). The highest frequency of this allele in the Genome Aggregation Database is 0.01342 in the African population (version 2.1.1) which includes one homozygote. Functional evidence demonstrates that the c.19G>A variant reduces the hydrophobicity of hemoglobin compared to wildtype (PMID: 2888754). Based on the available evidence, the c.19G>A (p.Gly7Lys) variant is classified as pathogenic for sickle-hemoglobin C disease.

3billion
Classification: Likely pathogenic for Hb SS disease. Last evaluated: 2023-12-11. Review status: criteria provided, single submitter. Criteria: ACMG Guidelines, 2015. Collection method: clinical testing. Allele origin: germline. Affected: yes.
Comment: The variant is observed at an extremely low frequency in the gnomAD v2.1.1 dataset (total allele frequency: 0.124%). Predicted Consequence/Location: Missense variant Same nucleotide change resulting in same amino acid change has been previously reported as pathogenic/likely pathogenic with strong evidence (ClinVar ID: VCV000015126 /PMID: 8294201). Different missense changes at the same codon (p.Glu7Ala, p.Glu7Gln, p.Glu7Met, p.Glu7Val) have been reported as pathogenic/likely pathogenic with strong evidence (ClinVar ID: VCV000015333, VCV000036301 /PMID: 19460936, 3267215, 6129204 /3billion dataset). Therefore, this variant is classified as Likely pathogenic according to the recommendation of ACMG/AMP guideline.

Laboratory for Molecular Medicine, Mass General Brigham Personalized Medicine
Classification: Pathogenic for Inherited hemoglobinopathy. Last evaluated: 2023-11-10. Review status: criteria provided, single submitter. Criteria: ACMG Guidelines, 2015. Collection method: clinical testing. Allele origin: germline. Inheritance: Autosomal recessive inheritance.
Comment: The p.Glu7Lys variant in HBB (also known as HbC or p.Glu6Lys in the literature) is a well-described pathogenic variant that along with p.Glu7Val (HbS), is thought to be one of the most prevalent hemoglobin abnormalities (Cook 2013 PMID: 23297836, Piel 2013). In the heterozygous state, the p.Glu7Lys variant is associated with hemoglobin C trait and in the homozygous state this variant results in hemoglobin C disease (Charache 1967 PMID: 6061750, Piel 2013 PMID: 23591685, Cook 2013 PMID: 23297836). In the compound heterozygous state with a second HBB variant associated with abnormal hemoglobin, this variant results in other beta-hemoglobinopathies such as sickle-hemoglobin C disease (co-inheritance with HbS) and hemoglobin C-beta thalassemia (with β-thalassemia pathogenic variants; Piel 2013 PMID: 23591685, Cook 2013 PMID: 23297836, Boucher 2016 PMID: 27117572). This variant has also been reported by other clinical laboratories in ClinVar (Variation ID 15126) and has been identified in 1.3% (555/41446) of African American chromosomes, including 1 homozygote, by gnomAD (v.3.1.2). However, this frequency is low enough to be consistent with a recessive carrier frequency, which has been estimated to be at 3.2% (1/31) in the African American population (Piel 2013 PMID: 23591685). In vitro functional studies provide some evidence that this variant affects the kinetic properties of the hemoglobin protein, reducing its overall hydrophobicity (Adachi 1987 PMID: 2888754). Computational prediction tools and conservation analyses do not provide strong support for or against an impact to the protein. In summary, this variant meets criteria to be classified as pathogenic for autosomal recessive beta-hemoglobinopathies. ACMG/AMP Criteria applied: PM3_VeryStrong, PS3_supporting, PM5.

Ambry Genetics
Classification: Pathogenic for Inborn genetic diseases. Last evaluated: 2023-10-13. Review status: criteria provided, single submitter. Criteria: Ambry Variant Classification Scheme 2023. Collection method: clinical testing. Allele origin: germline.
Comment: The c.19G>A (p.E7K) alteration is located in exon 1 (coding exon 1) of the HBB gene. This alteration results from a G to A substitution at nucleotide position 19, causing the glutamic acid (E) at amino acid position 7 to be replaced by a lysine (K). Based on data from gnomAD, the A allele has an overall frequency of 0.1235% (349/282566) total alleles studied. The highest observed frequency was 1.34% (335/24966) of African/African American alleles, including 1 homozygote. This alteration results in the hemoglobin C (HbC) variant. The homozygous state of HbC only results in mild hemolytic anemia, while co-occurrence with another deleterious allele results in a clinically significant disorder (Nagel, 2003; Akinbami, 2016). This amino acid position is not well conserved in available vertebrate species. HbC is less soluble than wild-type hemoglobin (HbA) and tends to crystallize in red blood cells (RBCs), resulting in a decreased ability of RBCs to deform in capillaries and inducing hemolysis (Nagel, 2003). The in silico prediction for this alteration is inconclusive. Based on the available evidence, this alteration is classified as pathogenic.

Department of Pathology and Laboratory Medicine, Sinai Health System
Classification: Pathogenic for Heinz body anemia; Dominant beta-thalassemia; alpha Thalassemia; Hb SS disease; Beta-thalassemia HBB/LCRB. Last evaluated: 2023-09-11. Review status: criteria provided, single submitter. Criteria: ACMG Guidelines, 2015. Collection method: research. Allele origin: germline.

Mayo Clinic Laboratories, Mayo Clinic
Classification: Pathogenic. Last evaluated: 2023-02-27. Review status: criteria provided, single submitter. Criteria: ACMG Guidelines, 2015. Collection method: clinical testing. Allele origin: germline. Observed: 31 variant alleles.

Laboratorio de Genetica e Diagnostico Molecular, Hospital Israelita Albert Einstein
Classification: Pathogenic for Hereditary persistence of fetal hemoglobin. Last evaluated: 2022-10-29. Review status: criteria provided, single submitter. Criteria: ACMG Guidelines, 2015. Collection method: clinical testing. Allele origin: germline. Affected: yes. Observed: 1 variant allele.
Comment: ACMG classification criteria: PS3 strong, PS4 strong, PM2 moderated, PM3 very strong

Johns Hopkins Genomics, Johns Hopkins University
Classification: Pathogenic for Sickle cell-hemoglobin C disease. Last evaluated: 2022-09-14. Review status: criteria provided, single submitter. Criteria: ACMG Guidelines, 2015. Collection method: clinical testing. Allele origin: germline.
Comment: This HBB variant (rs33930165) reaches polymorphic frequency (>1%) within the African/African American subpopulation in a large population dataset (gnomAD: 335/24966 total alleles, 1.342%, 1 homozygote) and has been reported in ClinVar. Also known as p.Glu6Lys and HbC, it has been reported in a homozygous or compound heterozygous state in individuals with beta-hemoglobinopathies. Heterozygosity for p.Glu7Lys in the absence of another pathogenic HBB variant results in Hemoglobin C trait (HbAC), which is clinically silent. Two bioinformatic tools queried predict that this substitution would tolerated, but experimental studies have shown that this variant affects the physical and kinetic properties of the hemoglobin protein. Bioinformatic analysis predicts that this missense variant would not affect normal exon 1 splicing, although this has not been confirmed experimentally to our knowledge. We consider c.19G>A (p.Glu7Lys) to be pathogenic.

MGZ Medical Genetics Center
Classification: Pathogenic for Beta-thalassemia HBB/LCRB. Last evaluated: 2022-08-22. Review status: criteria provided, single submitter. Criteria: ACMG Guidelines, 2015. Collection method: clinical testing. Allele origin: germline. Affected: yes. Observed: 3 variant alleles.
Comment: ACMG criteria applied: PM3_VSTR, PP1_VSTR, PS4, PM1, PM5, PP4

Clinical Genetics Laboratory, Skane University Hospital Lund
Classification: Likely pathogenic. Last evaluated: 2022-06-01. Review status: criteria provided, single submitter. Criteria: ACMG Guidelines, 2015. Collection method: clinical testing. Allele origin: germline. Affected: yes.